The following is an entry in ClinVar:

NM_000337.6(SGCD):c.383G>A (p.Gly128Asp)

Gene: SGCD (sarcoglycan delta; plus strand). Cytogenetic location: 5q33.3.
Variant type: single nucleotide variant.
Coding change: c.383G>A on transcript NM_000337.6 (MANE Select); coding-DNA position 383, G replaced by A.
Protein change: p.Gly128Asp; replaces glycine 128 with aspartic acid.
Molecular consequence: missense variant.
Genome position (GRCh38, 1-based): chr5:156,594,932, G>A. VCF-style: chr5-156594932-G-A. GRCh37 (hg19) VCF-style: chr5-156021942-G-A.
Other names: c.380G>A, p.Gly127Asp (NM_001128209.2); c.383G>A, p.Gly128Asp (NM_172244.3); short protein forms G127D, G128D.
Identifiers: ClinVar variation 1919917 (VCV001919917.5), dbSNP rs756122536, ClinGen allele CA3530592.
Genomic context (GRCh38, chr5:156,594,932, plus strand): 5'-GTTTTCTCTCTCTCTCTCTCCTCTCTCCTCTCTATCTCTCTATCTCTCTATATCTCTCAG[G>A]TCCAAAAGCCGTAGAAGCTTATGGTAAAAAATTTGAGGTAAAAACTGTTTCTGGAAAATT-3'
Protein context (NP_000328.2, residues 118-138): QTKVLTQLIT[Gly128Asp]PKAVEAYGKK

ClinVar aggregate classification (germline): Uncertain significance (1 of 4 stars; one submission).

Conditions:
Autosomal recessive limb-girdle muscular dystrophy type 2F (LGMDR6). Also called: MUSCULAR DYSTROPHY, LIMB-GIRDLE, AUTOSOMAL RECESSIVE 6; Muscular dystrophy limb-girdle with delta-sarcoglyan deficiency. Identifiers: Orphanet 219, MedGen C1832525, MONDO:0011028, OMIM 601287. Disease mechanism: Affects gamma-sarcoglycan and also disrupts the integrity of the entire sarcoglycan complex..

Allele frequency attached by ClinVar (database versions not stated): gnomAD exomes below 0.00001; ExAC 0.00001.
gnomAD v4.1: 3 of 1,595,922 alleles (0.00019%); no homozygotes.

Submission:

Labcorp Genetics (formerly Invitae), Labcorp
Classification: Uncertain significance for Autosomal recessive limb-girdle muscular dystrophy type 2F. Last evaluated: 2022-03-11. Review status: criteria provided, single submitter. Criteria: Invitae Variant Classification Sherloc (09022015). Collection method: clinical testing. Allele origin: germline.
Comment: In summary, the available evidence is currently insufficient to determine the role of this variant in disease. Therefore, it has been classified as a Variant of Uncertain Significance. Algorithms developed to predict the effect of missense changes on protein structure and function are either unavailable or do not agree on the potential impact of this missense change (SIFT: "Tolerated"; PolyPhen-2: "Probably Damaging"; Align-GVGD: "Class C0"). This variant has not been reported in the literature in individuals affected with SGCD-related conditions. The frequency data for this variant in the population databases is considered unreliable, as metrics indicate poor data quality at this position in the gnomAD database. This sequence change replaces glycine, which is neutral and non-polar, with aspartic acid, which is acidic and polar, at codon 128 of the SGCD protein (p.Gly128Asp).